The following is an entry in ClinVar:

ClinVar aggregate classification (germline): Pathogenic. Review status: criteria provided, multiple submitters, no conflicts (2 of 4 stars). 2 submissions from 2 submitters: Pathogenic (2). Last evaluated 2025-03-30.

Conditions:
Oligodontia-cancer predisposition syndrome. Also called: TOOTH AGENESIS-COLORECTAL CANCER SYNDROME. Identifiers: Orphanet 300576, MedGen C1837750, MONDO:0012075, OMIM 608615. Disease mechanism: loss of function.

Submissions (2):

Labcorp Genetics (formerly Invitae), Labcorp
Classification: Pathogenic for Oligodontia-cancer predisposition syndrome. Last evaluated: 2025-03-30. Review status: criteria provided, single submitter. Criteria: Invitae Variant Classification Sherloc (09022015). Collection method: clinical testing. Allele origin: germline.
Comment: This sequence change creates a premature translational stop signal (p.Glu405Alafs*52) in the AXIN2 gene. It is expected to result in an absent or disrupted protein product. Loss-of-function variants in AXIN2 are known to be pathogenic (PMID: 15042511, 21416598). This variant is present in population databases (no rsID available, gnomAD 0.001%). This variant has not been reported in the literature in individuals affected with AXIN2-related conditions. For these reasons, this variant has been classified as Pathogenic.

Myriad Genetics, Inc.
Classification: Pathogenic for Oligodontia-cancer predisposition syndrome. Last evaluated: 2023-05-17. Review status: criteria provided, single submitter. Criteria: Myriad Autosomal Dominant, Autosomal Recessive and X-Linked Classification Criteria (2023). Collection method: clinical testing. Allele origin: unknown.
Comment: This variant is considered pathogenic. This variant creates a frameshift predicted to result in premature protein truncation.

Literature cited by the submitters: PubMed 15042511 (cited by Labcorp Genetics (formerly Invitae), Labcorp); PubMed 21416598 (cited by Labcorp Genetics (formerly Invitae), Labcorp).

NM_004655.4(AXIN2):c.1212_1215del (p.Glu405fs)

Gene: AXIN2 (axin 2; minus strand). Cytogenetic location: 17q24.1.
Variant type: Microsatellite.
Coding change: c.1212_1215del on transcript NM_004655.4 (MANE Select); coding-DNA positions 1212 to 1215, 4 bases deleted (AGAG; older notation c.1212_1215delAGAG).
Protein change: p.Glu405fs; shifts the reading frame from glutamic acid 405.
Molecular consequence: frameshift variant.
Genome position (GRCh38, 1-based): chr17:65,537,821-65,537,824, CTCT deleted on the plus strand (AGAG on the coding strand, the reverse complement: AXIN2 is on the minus strand); deleting any 4 consecutive bases within chr17:65,537,821-65,537,830 gives the same sequence; the c. name uses the placement nearest the transcript's 3' end. VCF-style (leftmost placement, unchanged base first): chr17-65537820-CCTCT-C. GRCh37 (hg19) VCF-style: chr17-63533938-CCTCT-C.
Other names: c.1212_1215del, p.Glu405fs (NM_001363813.1); short protein forms E405fs.
Identifiers: ClinVar variation 2583545 (VCV002583545.3), dbSNP rs771001164, ClinGen allele CA627152097.
Genomic context (GRCh38, chr17:65,537,820, plus strand): 5'-GTAGGGAGAGGGGGTGCTGCGTGGGCGCCCCCTCCCGCGAATTGAGTGTGAGCTCGGAGC[CCTCT>C]CTCTCTTCATCCTGAAAGGGAAGACGTCAGAAGGAGAAGTGACCCAGGAAGCAGAAGGGC-3'